The following is an entry in ClinVar:

NM_000179.3(MSH6):c.3646+1G>T

Gene: MSH6 (mutS homolog 6; plus strand). Cytogenetic location: 2p16.3.
Variant type: single nucleotide variant.
Coding change: c.3646+1G>T on transcript NM_000179.3 (MANE Select); the canonical splice donor site of the intron after coding-DNA position 3646, G replaced by T.
Molecular consequence: splice donor variant.
Genome position (GRCh38, 1-based): chr2:47,805,708, G>T. VCF-style: chr2-47805708-G-T. GRCh37 (hg19) VCF-style: chr2-48032847-G-T.
Other names: c.3646+1G>T (NM_001406809.1, NM_001406796.1, NM_001406808.1 and 1 more transcripts); c.2740+1G>T (NM_001406811.1, NM_001406814.1, NM_001281493.2 and 6 more transcripts); c.3349+1G>T (NM_001406805.1, NM_001406797.1, NM_001406801.1 and 10 more transcripts); c.3742+1G>T (NM_001406795.1, NM_001406802.1); c.3652+1G>T (NM_001406813.1); c.3121+1G>T (NM_001406807.1, NM_001406799.1, NM_001406806.1); c.3472+1G>T (NM_001406798.1); c.2782+1G>T (NM_001406803.1); and 7 more.
Identifiers: ClinVar variation 495716 (VCV000495716.14), dbSNP rs1553332772, ClinGen allele CA346760640.
Genomic context (GRCh38, chr2:47,805,708, plus strand): 5'-AAACTGCCAGCATACTCATGCATGCAACAGCACATTCTCTGGTGCTTGTGGATGAATTAG[G>T]TAAGACATTAAACTTCTCATTTGAAGACTATCTATCTTAAAAACATTTGTACAAATAACT-3'

ClinVar aggregate classification (germline): Pathogenic/Likely pathogenic. Review status: criteria provided, multiple submitters, no conflicts (2 of 4 stars). 5 submissions from 5 submitters: Pathogenic (1); Likely pathogenic (4). Last evaluated 2025-11-26.
ClinVar aggregate classification (oncogenicity): Uncertain significance (1 of 4 stars; one submission).

Conditions:
Hereditary cancer-predisposing syndrome. Also called: Tumor predisposition; Neoplastic Syndromes, Hereditary; Hereditary neoplastic syndrome; Hereditary Cancer Syndrome. Identifiers: Orphanet 140162, MedGen C0027672, MeSH D009386, MONDO:0015356.
Lynch syndrome. Identifiers: Orphanet 144, MedGen C4552100, MONDO:0005835. Disease mechanism: loss of function.
Hereditary nonpolyposis colorectal neoplasms. Identifiers: MedGen C0009405, MeSH D003123.
Lynch syndrome 5 (LYNCH5). Also called: Colorectal cancer, hereditary nonpolyposis, type 5; Hereditary non-polyposis colorectal cancer, type 5. Identifiers: Orphanet 144, MedGen C1833477, MONDO:0013710, OMIM 614350. Disease mechanism: loss of function.
Neoplasm. Also called: Neoplasms; Neoplasm (disease); tumor. Identifiers: MedGen C0027651, MeSH D009369, MONDO:0005070, HP:0002664.

Submissions (6):

Ambry Genetics
Classification: Likely pathogenic for Hereditary cancer-predisposing syndrome. Last evaluated: 2025-11-26. Review status: criteria provided, single submitter. Criteria: Ambry Variant Classification Scheme 2023. Collection method: clinical testing. Allele origin: germline.
Comment: The c.3646+1G>T intronic variant results from a G to T substitution one nucleotide after coding exon 7 of the MSH6 gene. Alterations that disrupt the canonical splice site are expected to result in aberrant splicing. In silico splice site analysis predicts that this alteration will weaken the native splice donor site. RNA studies have demonstrated that this alteration results in abnormal splicing in the set of samples tested (Ambry internal data). The resulting transcript is predicted to be in-frame and is not expected to trigger nonsense-mediated mRNAdecay and the exact functional effect of the altered amino acid sequence is unknown; however, the impacted region is critical for protein function (Ambry internal data). This variant is considered to be rare based on population cohorts in the Genome Aggregation Database (gnomAD). This nucleotide position is highly conserved in available vertebrate species. Based on the majority of available evidence to date, this variant is likely to be pathogenic.

Quest Diagnostics Nichols Institute San Juan Capistrano
Classification: Likely pathogenic. Last evaluated: 2025-03-31. Review status: criteria provided, single submitter. Criteria: Quest Diagnostics criteria. Collection method: clinical testing. Allele origin: unknown.
Comment: The MSH6 c.3646+1G>T variant disrupts a canonical splice-donor site and is predicted to interfere with normal MSH6 mRNA splicing. This variant has been reported in the published literature in individuals with Lynch syndrome (PMIDs: 39546165 (2024), 36591511 (2022)). This variant has not been reported in large, multi-ethnic general populations (Genome Aggregation Database). Based on the available information, this variant is classified as likely pathogenic.

Center for Genomic Medicine, Rigshospitalet, Copenhagen University Hospital
Classification: Uncertain significance for Neoplasm. Last evaluated: 2025-03-04. Review status: criteria provided, single submitter. Criteria: ClinGen/CGC/VICC Guidelines for Oncogenicity, 2022. Collection method: clinical testing. Allele origin: somatic. Affected: yes.

Labcorp Genetics (formerly Invitae), Labcorp
Classification: Pathogenic for Hereditary nonpolyposis colorectal neoplasms. Last evaluated: 2024-11-06. Review status: criteria provided, single submitter. Criteria: Invitae Variant Classification Sherloc (09022015). Collection method: clinical testing. Allele origin: germline.
Comment: This sequence change affects a donor splice site in intron 7 of the MSH6 gene. It is expected to disrupt RNA splicing. Variants that disrupt the donor or acceptor splice site typically lead to a loss of protein function (PMID: 16199547), and loss-of-function variants in MSH6 are known to be pathogenic (PMID: 18269114, 24362816). This variant is not present in population databases (gnomAD no frequency). Disruption of this splice site has been observed in individuals with clinical features of Lynch syndrome (PMID: 36591511; internal data). ClinVar contains an entry for this variant (Variation ID: 495716). Algorithms developed to predict the effect of sequence changes on RNA splicing suggest that this variant may disrupt the consensus splice site. For these reasons, this variant has been classified as Pathogenic.

Myriad Genetics, Inc.
Classification: Likely pathogenic for Lynch syndrome 5. Last evaluated: 2023-08-24. Review status: criteria provided, single submitter. Criteria: Myriad Autosomal Dominant, Autosomal Recessive and X-Linked Classification Criteria (2023). Collection method: clinical testing. Allele origin: unknown.
Comment: This variant is considered likely pathogenic. This variant occurs within a consensus splice junction and is predicted to result in abnormal mRNA splicing of either an out-of-frame exon or an in-frame exon necessary for protein stability and/or normal function.

Women's Health and Genetics/Laboratory Corporation of America, LabCorp
Classification: Likely pathogenic for Hereditary nonpolyposis colon cancer. Last evaluated: 2016-11-18. Review status: criteria provided, single submitter. Criteria: LabCorp Variant Classification Summary - May 2015. Collection method: clinical testing. Allele origin: germline.
Comment: Variant summary: The MSH6 c.3646+1G>T variant involves the alteration of a conserved intronic nucleotide. One in silico tool predicts a damaging outcome for this variant. 5/5 splice prediction tools predict that this variant abolishes the 5' splicing donor site. This variant is absent in 121332 control chromosomes. The variant of interest has not, to our knowledge, been reported in affected individuals via publications and/or reputable databases/clinical diagnostic laboratories; nor evaluated for functional impact by in vivo/vitro studies. Taken together, this variant is classified as likely pathogenic.

Literature cited by the submitters: PubMed 36591511 (cited by Quest Diagnostics Nichols Institute San Juan Capistrano and Labcorp Genetics (formerly Invitae), Labcorp); PubMed 39565978 (cited by Quest Diagnostics Nichols Institute San Juan Capistrano); PubMed 39546165 (cited by Quest Diagnostics Nichols Institute San Juan Capistrano); PubMed 38887977 (cited by Quest Diagnostics Nichols Institute San Juan Capistrano); PubMed 16199547 (cited by Labcorp Genetics (formerly Invitae), Labcorp); PubMed 18269114 (cited by Labcorp Genetics (formerly Invitae), Labcorp); PubMed 24362816 (cited by Labcorp Genetics (formerly Invitae), Labcorp).